The following is an entry in ClinVar:

ClinVar aggregate classification (germline): Likely benign (1 of 4 stars; one submission).

Submission:

CeGaT Center for Human Genetics Tuebingen
Classification: Likely benign. Last evaluated: 2026-09-01. Review status: criteria provided, single submitter. Criteria: CeGaT Center For Human Genetics Tuebingen Variant Classification Criteria Version 2. Collection method: clinical testing. Allele origin: germline. Affected: yes. Observed: 3 variant alleles.
Comment: APTX: PM2:Supporting, BP4, BP7

NM_001195248.2(APTX):c.720G>A (p.Gly240=)

Gene: APTX (aprataxin; minus strand). Cytogenetic location: 9p21.1.
Variant type: single nucleotide variant.
Coding change: c.720G>A on transcript NM_001195248.2 (MANE Select); coding-DNA position 720, G replaced by A.
Protein change: p.Gly240=; no amino-acid change (glycine 240 retained).
Molecular consequence: synonymous variant. On other transcripts: non-coding transcript variant (9).
Genome position (GRCh38, 1-based): chr9:32,984,681, C>T on the plus strand (G>A on the coding strand, the complement: APTX is on the minus strand). VCF-style: chr9-32984681-C-T. GRCh37 (hg19) VCF-style: chr9-32984679-C-T.
Other names: c.720G>A, p.Gly240= (NM_001195249.2, NM_001195251.2, NM_001368995.1 and 6 more transcripts); c.558G>A, p.Gly186= (NM_001195250.2, NM_001195254.2, NM_001369000.1 and 1 more transcripts); c.504G>A, p.Gly168= (NM_001195252.2); c.456G>A, p.Gly152= (NM_001369002.1, NM_001369003.1, NM_001369004.1 and 5 more transcripts); c.198G>A, p.Gly66= (NM_175071.1).
Identifiers: ClinVar variation 3025174 (VCV003025174.22), dbSNP rs2489448574, ClinGen allele CA464579749.